The following is an entry in ClinVar:

NM_004247.4(EFTUD2):c.1546C>T (p.Leu516=)

Gene: EFTUD2 (elongation factor Tu GTP binding domain containing 2; minus strand). Cytogenetic location: 17q21.31.
Variant type: single nucleotide variant.
Coding change: c.1546C>T on transcript NM_004247.4 (MANE Select); coding-DNA position 1546, C replaced by T.
Protein change: p.Leu516=; no amino-acid change (leucine 516 retained).
Molecular consequence: synonymous variant.
Genome position (GRCh38, 1-based): chr17:44,862,774, G>A on the plus strand (C>T on the coding strand, the complement: EFTUD2 is on the minus strand). VCF-style: chr17-44862774-G-A. GRCh37 (hg19) VCF-style: chr17-42940142-G-A.
Other names: c.1441C>T, p.Leu481= (NM_001142605.2); c.1546C>T, p.Leu516= (NM_001258353.2); c.1516C>T, p.Leu506= (NM_001258354.2).
Identifiers: ClinVar variation 4739593 (VCV004739593.6).

ClinVar aggregate classification (germline): Likely benign. Review status: criteria provided, multiple submitters, no conflicts (2 of 4 stars). 3 submissions from 3 submitters: Likely benign (3). Last evaluated 2026-03-01.

gnomAD v4.1: 6 of 1,614,050 alleles (0.00037%); highest among the groups gnomAD compares: African/African-American, 0.0027%; no homozygotes.

Submissions (3):

CeGaT Center for Human Genetics Tuebingen
Classification: Likely benign. Last evaluated: 2026-03-01. Review status: criteria provided, single submitter. Criteria: CeGaT Center For Human Genetics Tuebingen Variant Classification Criteria Version 2. Collection method: clinical testing. Allele origin: germline. Affected: yes. Observed: 1 variant allele.
Comment: EFTUD2: BP4, BP7

Labcorp Genetics (formerly Invitae), Labcorp
Classification: Likely benign. Last evaluated: 2025-04-14. Review status: criteria provided, single submitter. Criteria: Invitae Variant Classification Sherloc (09022015). Collection method: clinical testing. Allele origin: germline.

Blueprint Genetics
Classification: Likely benign. Last evaluated: 2021-06-17. Review status: criteria provided, single submitter. Criteria: ACMG Guidelines, 2015. Collection method: clinical testing. Allele origin: germline.